The following is an entry in ClinVar:

NM_000222.3(KIT):c.520A>T (p.Ser174Cys)

Gene: KIT (KIT proto-oncogene, receptor tyrosine kinase; plus strand). Cytogenetic location: 4q12.
Variant type: single nucleotide variant.
Coding change: c.520A>T on transcript NM_000222.3 (MANE Select); coding-DNA position 520, A replaced by T.
Protein change: p.Ser174Cys; replaces serine 174 with cysteine.
Molecular consequence: missense variant.
Genome position (GRCh38, 1-based): chr4:54,698,466, A>T. VCF-style: chr4-54698466-A-T. GRCh37 (hg19) VCF-style: chr4-55564632-A-T.
Other names: c.520A>T, p.Ser174Cys (NM_001093772.2, NM_001385284.1, NM_001385285.1 and 4 more transcripts); short protein forms S174C.
Identifiers: ClinVar variation 1746084 (VCV001746084.2), dbSNP rs2475452095, ClinGen allele CA356897766.

ClinVar aggregate classification (germline): Uncertain significance (1 of 4 stars; one submission).

Conditions:
Hereditary cancer-predisposing syndrome. Also called: Hereditary Cancer Syndrome; Neoplastic Syndromes, Hereditary; Tumor predisposition; Hereditary neoplastic syndrome. Identifiers: Orphanet 140162, MedGen C0027672, MeSH D009386, MONDO:0015356.

Submission:

Ambry Genetics
Classification: Uncertain significance for Hereditary cancer-predisposing syndrome. Last evaluated: 2022-07-24. Review status: criteria provided, single submitter. Criteria: Ambry Variant Classification Scheme 2023. Collection method: clinical testing. Allele origin: germline.
Comment: The p.S174C variant (also known as c.520A>T), located in coding exon 3 of the KIT gene, results from an A to T substitution at nucleotide position 520. The serine at codon 174 is replaced by cysteine, an amino acid with dissimilar properties. This amino acid position is conserved. In addition, this alteration is predicted to be tolerated by in silico analysis. Since supporting evidence is limited at this time, the clinical significance of this alteration remains unclear.